The following is an entry in ClinVar:

ClinVar aggregate classification (germline): Conflicting classifications of pathogenicity. Review status: criteria provided, conflicting classifications (1 of 4 stars). 2 submissions from 2 submitters: Uncertain significance (1); Likely benign (1). Last evaluated 2026-07-01.

Submissions (2):

CeGaT Center for Human Genetics Tuebingen
Classification: Likely benign. Last evaluated: 2026-07-01. Review status: criteria provided, single submitter. Criteria: CeGaT Center For Human Genetics Tuebingen Variant Classification Criteria Version 2. Collection method: clinical testing. Allele origin: germline. Affected: yes. Observed: 1 variant allele.
Comment: SMARCA2: PP2, BS2

Labcorp Genetics (formerly Invitae), Labcorp
Classification: Uncertain significance. Last evaluated: 2025-07-30. Review status: criteria provided, single submitter. Criteria: Invitae Variant Classification Sherloc (09022015). Collection method: clinical testing. Allele origin: germline.
Comment: This sequence change replaces methionine, which is neutral and non-polar, with leucine, which is neutral and non-polar, at codon 113 of the SMARCA2 protein (p.Met113Leu). This variant is not present in population databases (gnomAD no frequency). This variant has not been reported in the literature in individuals affected with SMARCA2-related conditions. ClinVar contains an entry for this variant (Variation ID: 1913191). Invitae Evidence Modeling of protein sequence and biophysical properties (such as structural, functional, and spatial information, amino acid conservation, physicochemical variation, residue mobility, and thermodynamic stability) indicates that this missense variant is not expected to disrupt SMARCA2 protein function with a negative predictive value of 80%. In summary, the available evidence is currently insufficient to determine the role of this variant in disease. Therefore, it has been classified as a Variant of Uncertain Significance.

NM_003070.5(SMARCA2):c.337A>C (p.Met113Leu)

Gene: SMARCA2 (SWI/SNF related BAF chromatin remodeling complex subunit ATPase 2; plus strand). Cytogenetic location: 9p24.3.
Variant type: single nucleotide variant.
Coding change: c.337A>C on transcript NM_003070.5 (MANE Select); coding-DNA position 337, A replaced by C.
Protein change: p.Met113Leu; replaces methionine 113 with leucine.
Molecular consequence: missense variant.
Genome position (GRCh38, 1-based): chr9:2,033,063, A>C. VCF-style: chr9-2033063-A-C. GRCh37 (hg19) VCF-style: chr9-2033063-A-C.
Other names: c.337A>C, p.Met113Leu (NM_001289396.2, NM_001289397.2, NM_139045.4); short protein forms M113L.
Identifiers: ClinVar variation 1913191 (VCV001913191.6), dbSNP rs759299457, ClinGen allele CA372779679.
Genomic context (GRCh38, chr9:2,033,063, plus strand): 5'-TCCATGAAGGGCACTGGTATGCGACCACCTCACCCAGGCATGGGCCCTCCCCAGAGTCCA[A>C]TGGATCAACACAGCCAAGGTTTGTGTCCGCTGCACACCTGATACTGGTTCCCCAGCATAG-3'
Protein context (NP_003061.3, residues 103-123): HPGMGPPQSP[Met113Leu]DQHSQGYMSP